The following is an entry in ClinVar:

NM_006440.5(TXNRD2):c.461A>T (p.Tyr154Phe)

Gene: TXNRD2 (thioredoxin reductase 2; minus strand). Cytogenetic location: 22q11.21.
Variant type: single nucleotide variant.
Coding change: c.461A>T on transcript NM_006440.5 (MANE Select); coding-DNA position 461, A replaced by T.
Protein change: p.Tyr154Phe; replaces tyrosine 154 with phenylalanine.
Molecular consequence: missense variant. On other transcripts: non-coding transcript variant (1).
Genome position (GRCh38, 1-based): chr22:19,915,832, T>A on the plus strand (A>T on the coding strand, the complement: TXNRD2 is on the minus strand). VCF-style: chr22-19915832-T-A. GRCh37 (hg19) VCF-style: chr22-19903355-T-A.
Other names: c.461A>T, p.Tyr154Phe (NM_001282512.3); c.458A>T, p.Tyr153Phe (NM_001352300.2); c.371A>T, p.Tyr124Phe (NM_001352301.2); c.173A>T, p.Tyr58Phe (NM_001352302.2); c.365A>T, p.Tyr122Phe (NM_001352303.2); c.461A>T (NM_006440.3); short protein forms Y122F, Y153F, Y154F, Y58F, Y124F.
Identifiers: ClinVar variation 955003 (VCV000955003.10), dbSNP rs886509891, ClinGen allele CA322105213.

ClinVar aggregate classification (germline): Uncertain significance. Review status: criteria provided, multiple submitters, no conflicts (2 of 4 stars). 2 submissions from 2 submitters: Uncertain significance (2). Last evaluated 2024-07-30.

Conditions:
Primary dilated cardiomyopathy (DCM). Also called: Dilated Cardiomyopathy. Identifiers: Orphanet 217604, MedGen C0007193, MeSH D002311, MONDO:0005021, HP:0001644. Inheritance: Various modes of inheritance.
Cardiovascular phenotype. Identifiers: MedGen CN230736.

Allele frequency attached by ClinVar (database versions not stated): gnomAD 0.00003 and 0.00004; TOPMed 0.00005.
gnomAD v4.1: 6 of 1,613,992 alleles (0.00037%); highest among the groups gnomAD compares: African/African-American, 0.0067%; no homozygotes.

Submissions (2):

Labcorp Genetics (formerly Invitae), Labcorp
Classification: Uncertain significance for Primary dilated cardiomyopathy. Last evaluated: 2024-07-30. Review status: criteria provided, single submitter. Criteria: Invitae Variant Classification Sherloc (09022015). Collection method: clinical testing. Allele origin: germline.
Comment: This sequence change replaces tyrosine, which is neutral and polar, with phenylalanine, which is neutral and non-polar, at codon 154 of the TXNRD2 protein (p.Tyr154Phe). This variant is present in population databases (no rsID available, gnomAD 0.01%). This variant has not been reported in the literature in individuals affected with TXNRD2-related conditions. ClinVar contains an entry for this variant (Variation ID: 955003). Advanced modeling of protein sequence and biophysical properties (such as structural, functional, and spatial information, amino acid conservation, physicochemical variation, residue mobility, and thermodynamic stability) performed at Invitae indicates that this missense variant is not expected to disrupt TXNRD2 protein function with a negative predictive value of 80%. In summary, the available evidence is currently insufficient to determine the role of this variant in disease. Therefore, it has been classified as a Variant of Uncertain Significance.

Ambry Genetics
Classification: Uncertain significance for Cardiovascular phenotype. Last evaluated: 2023-02-26. Review status: criteria provided, single submitter. Criteria: Ambry Variant Classification Scheme 2023. Collection method: clinical testing. Allele origin: germline.
Comment: The p.Y154F variant (also known as c.461A>T), located in coding exon 6 of the TXNRD2 gene, results from an A to T substitution at nucleotide position 461. The tyrosine at codon 154 is replaced by phenylalanine, an amino acid with highly similar properties. This amino acid position is conserved. In addition, this alteration is predicted to be tolerated by in silico analysis. Since supporting evidence is limited at this time, the clinical significance of this alteration remains unclear.